The following is an entry in ClinVar:

NM_005343.4(HRAS):c.38G>T (p.Gly13Val)

Genes: LRRC56 (leucine rich repeat containing 56; plus strand), HRAS (HRas proto-oncogene, GTPase; minus strand). Cytogenetic location: 11p15.5.
Variant type: single nucleotide variant.
Coding change: c.38G>T on transcript NM_005343.4 (MANE Select); coding-DNA position 38, G replaced by T.
Protein change: p.Gly13Val; replaces glycine 13 with valine.
Molecular consequence: missense variant. On other transcripts: 5 prime UTR variant (1).
Genome position (GRCh38, 1-based): chr11:534,285, C>A on the plus strand (G>T on the coding strand, the complement: HRAS is on the minus strand). VCF-style: chr11-534285-C-A. GRCh37 (hg19) VCF-style: chr11-534285-C-A.
Other names: p.G13V:GGT>GTT; c.38G>T (LRG_506t1, NM_005343.3); c.38G>T, p.Gly13Val (NM_001130442.3, NM_176795.5); c.-282G>T (NM_001318054.2); short protein forms G13V.
Identifiers: ClinVar variation 180848 (VCV000180848.30), dbSNP rs104894226, ClinGen allele CA296055.

ClinVar aggregate classification (germline): Pathogenic/Likely pathogenic. Review status: criteria provided, multiple submitters, no conflicts (2 of 4 stars). 12 submissions from 12 submitters: Pathogenic (8); Likely pathogenic (1). 3 of the submissions do not count toward it. Last evaluated 2026-09-15.
ClinVar aggregate classification (somatic clinical impact): Tier I - Strong (1 of 4 stars; one submission).
ClinVar aggregate classification (oncogenicity): Oncogenic (1 of 4 stars; one submission).

Conditions:
HRAS-related disorder. Also called: HRAS-related condition.
KA-like vemurafenib-induced squamous lesions.
Lip and oral cavity carcinoma. Identifiers: MedGen C0220641, MONDO:0023644.
Large congenital melanocytic nevus (CMNS). Also called: Giant hairy nevus; Bathing trunk nevus; Congenital giant pigmented nevus; Congenital giant melanocytic nevus; Giant congenital nevus; MELANOCYTIC NEVUS SYNDROME, CONGENITAL, SOMATIC. Identifiers: Orphanet 626, MedGen C1842036, MONDO:0044792, OMIM 137550, HP:0005600.
Linear nevus sebaceous syndrome. Also called: JADASSOHN NEVUS PHAKOMATOSIS; Nevus, Sebaceous of Jadassohn; SCHIMMELPENNING-FEUERSTEIN-MIMS SYNDROME, SOMATIC MOSAIC; Sebaceous nevus syndrome and hemimegalencephaly; Linear sebaceous nevus sequence; NEVUS SEBACEUS OF JADASSOHN. Identifiers: Orphanet 2612, MedGen C4552097, MONDO:0008097, OMIM 163200, HP:0010817.
Costello syndrome (CSTLO). Also called: FACIOCUTANEOSKELETAL SYNDROME; FCS SYNDROME; HRAS-Related Costello Syndrome. Identifiers: Orphanet 3071, MedGen C0587248, MONDO:0009026, OMIM 218040.
Rhabdomyosarcoma. Also called: Rhabdomyosarcoma (disease). Identifiers: Orphanet 780, MedGen C0035412, MeSH D012208, MONDO:0005212, HP:0002859.
Neoplasm. Also called: Neoplasms; Neoplasm (disease); tumor. Identifiers: MedGen C0027651, MeSH D009369, MONDO:0005070, HP:0002664.

Submissions 1 to 7 of 14:

PreventionGenetics, part of Exact Sciences
Classification: Pathogenic for HRAS-related condition. Last evaluated: 2026-09-15. Review status: criteria provided, single submitter. Criteria: ACMG Guidelines, 2015. Collection method: clinical testing. Allele origin: germline.
Comment: The HRAS c.38G>T variant is predicted to result in the amino acid substitution p.Gly13Val. This variant has been reported as "sporadic" or de novo in fetuses with multiple congenital anomalies, including hydrops and hygroma colli (Lefebvre et al. 2021. PubMed ID: 32732226; Suppl. Table 1, Gabriel et al. 2022. PubMed ID: 34958143). It has been reported in two individuals with Schimmelpenning-Feuerstein-Mims syndrome and was described as inherited in one patient and as somatic mosaic in another (Suppl. Table S4, Laurie et al. 2025. PubMed ID: 39825153; Luo et al. 2021. PubMed ID: 34109654). Experimental studies suggest this variant results in gain-of-function (Wey et al. 2013. PubMed ID: 24224811). This missense variant occurs at a mutation hotspot in the HRAS protein formed by p.Gly12 and p.Gly13, where multiple missense changes, such as p.Gly13Cys, p.Gly13Asp, p.Gly13Ser, and p.Gly12Val, have been reported in individuals with Costello syndrome (Wey et al. 2013. PubMed ID: 24224811; Suppl. Table 1, Gabriel et al. 2022. PubMed ID: 34958143). The p.Gly13Val variant has not been reported in a large population database (gnomAD), indicating this variant is rare, and is interpreted as pathogenic/likely pathogenic in ClinVar (Variation ID: 180848). This variant is interpreted as pathogenic.

Center for Genomic Medicine, Rigshospitalet, Copenhagen University Hospital
Classification: Oncogenic for Neoplasm. Last evaluated: 2025-12-29. Review status: criteria provided, single submitter. Criteria: ClinGen/CGC/VICC Guidelines for Oncogenicity, 2022. Collection method: clinical testing. Allele origin: somatic. Affected: yes.

GeneDx
Classification: Pathogenic. Last evaluated: 2025-10-31. Review status: criteria provided, single submitter. Criteria: GeneDx Variant Classification Process June 2021. Collection method: clinical testing. Allele origin: germline. Affected: yes.
Comment: Not observed at significant frequency in large population cohorts (gnomAD); Missense variants in this gene are a common cause of disease and they are underrepresented in the general population; In silico analysis supports that this missense variant has a deleterious effect on protein structure/function; Has not been previously reported as pathogenic or benign in association with an HRAS-related RASopathy to our knowledge; This variant is associated with the following publications: (PMID: 24224811, 29493581, 32732226, 34958143, 34109654)

Variantyx, Inc.
Classification: Pathogenic for Costello syndrome. Last evaluated: 2025-04-08. Review status: criteria provided, single submitter. Criteria: Variantyx Assertion Criteria 2022. Collection method: clinical testing. Allele origin: de novo. Inheritance: Autosomal dominant inheritance. Affected: yes.
Comment: This is a nonsynonymous variant in the HRAS gene (OMIM: 190020). Pathogenic variants in this gene have been associated with autosomal dominant Costello syndrome. This variant has been reported in at least two unrelated affected individuals (PMID: 32732226, 34958143) (PS4_Moderate). Alternate amino acid change(sat this position (p.Gly13Cys, p.Gly13Asp, p.Gly13Val) have been previously reported in similarly affected individuals, which suggests that this residue is biologically important (PMID: 24224811, 29493581) (PM5). Multiple computational algorithms predict a deleterious effect for this variant (REVEL score: 0.791) (PP3). This variant is absent from control populations (PM2). Based on the current evidence, this variant is classified as pathogenic for autosomal dominant Costello syndrome.

CeGaT Center for Human Genetics Tuebingen
Classification: Pathogenic. Last evaluated: 2025-02-01. Review status: criteria provided, single submitter. Criteria: CeGaT Center For Human Genetics Tuebingen Variant Classification Criteria Version 2. Collection method: clinical testing. Allele origin: germline. Affected: yes. Observed: 1 variant allele.
Comment: HRAS: PM1, PM2, PM5, PS4:Moderate, PP2, PP3, PS2:Supporting

Clinical Genomics Laboratory, Washington University in St. Louis
Classification: Likely pathogenic for Large congenital melanocytic nevus. Last evaluated: 2024-01-15. Review status: criteria provided, single submitter. Criteria: ACMG Guidelines, 2015. Collection method: clinical testing. Allele origin: somatic. Affected: yes.
Comment: The HRAS c.38G>T (p.Gly13Val) variant was identified at an allelic fraction consistent with somatic origin. This variant has been identified in an individual with Schimmelpenning-Feuerstein-Mims (SFM) syndrome (Luo Q et al., PMID: 34109654). This variant has been reported in the ClinVar database as pathogenic or likely pathogenic in both somatic and germline states (ClinVar Variation ID: 180848). It has also been reported as a somatic variant in multiple cases in the Catalogue of Somatic Mutations in Cancer (COSMIC, Genomic Mutation ID: COSV54237051). This variant is absent from the general population (gnomAD v4.0.0), indicating that it is not a common variant. Two other variants in the same codon, c.38G>A (p.Gly13Asp) and c.37G>T (p.Gly13Cys), have been reported and are considered pathogenic (ClinVar Variation IDs: 12604 and 12606). Computational predictors indicate that the variant is damaging, evidence that correlates with impact to HRAS function. In support of this prediction, functional studies show that the HRAS c.38G>T (p.Gly13Val) variant causes a higher cellular proportion of the biologically active form of HRAS (Wey M et al., PMID: 24224811). Based on an internally developed protocol informed by the ACMG/AMP guidelines (Richards S et al., PMID: 25741868) and gene-specific practices from the ClinGen Criteria Specification Registry, the HRAS c.38G>T (p.Gly13Val) variant is classified as likely pathogenic.

ARUP Laboratories, Molecular Genetics and Genomics, ARUP Laboratories
Classification: Pathogenic. Last evaluated: 2023-09-30. Review status: criteria provided, single submitter. Criteria: ARUP Molecular Germline Variant Investigation Process 2024. Collection method: clinical testing. Allele origin: germline.
Comment: The HRAS c.38G>T; p.Gly13Val variant (rs104894226) is reported in the literature in multiple individuals affected with Costello syndrome and Schimmelpenning-Feuerstein-Mims syndrome (Gabriel 2022, Gripp 2011, Lefebvre 2021, Luo 2021). This variant is also reported in ClinVar (Variation ID: 180848) and is absent from the Genome Aggregation Database, indicating it is not a common polymorphism. Additionally, other amino acid substitutions at this codon (Asp, Arg, Cys) have been reported in individuals with RASopathies and are considered pathogenic (Gripp 2011, Lefebvre 2021, Luo 2021). Computational analyses predict that this variant is deleterious (REVEL: 0.791). Based on available information, this variant is considered to be pathogenic. References: Gabriel H et al. Trio exome sequencing is highly relevant in prenatal diagnostics. Prenat Diagn. 2022 Jun;42(7):845-851. PMID: 34958143. Gripp KW et al. Phenotypic analysis of individuals with Costello syndrome due to HRAS p.G13C. Am J Med Genet A. 2011 Apr;155A(4):706-16. PMID: 21438134. Lefebvre M et al. Genotype-first in a cohort of 95 fetuses with multiple congenital abnormalities: when exome sequencing reveals unexpected fetal phenotype-genotype correlations. J Med Genet. 2021 Jun;58(6):400-413. PMID: 32732226. Luo Q et al. Expanding mutational spectrum of HRAS by a patient with Schimmelpenning-Feuerstein-Mims syndrome. J Dermatol. 2021 Aug;48(8):1273-1276. PMID: 34109654.